The following is an entry in ClinVar:

ClinVar aggregate classification (germline): Uncertain significance (1 of 4 stars; one submission).

Conditions:
Tatton-Brown-Rahman overgrowth syndrome. Also called: Tall stature-intellectual disability-facial dysmorphism syndrome; Tatton-Brown-Rahman syndrome. Identifiers: Orphanet 404443, MedGen C4014545, MONDO:0014382, OMIM 615879.

Submission:

Labcorp Genetics (formerly Invitae), Labcorp
Classification: Uncertain significance for Tatton-Brown-Rahman overgrowth syndrome. Last evaluated: 2024-08-29. Review status: criteria provided, single submitter. Criteria: Invitae Variant Classification Sherloc (09022015). Collection method: clinical testing. Allele origin: germline.
Comment: This sequence change replaces asparagine, which is neutral and polar, with serine, which is neutral and polar, at codon 802 of the DNMT3A protein (p.Asn802Ser). This variant is not present in population databases (gnomAD no frequency). This variant has not been reported in the literature in individuals affected with DNMT3A-related conditions. Invitae Evidence Modeling of protein sequence and biophysical properties (such as structural, functional, and spatial information, amino acid conservation, physicochemical variation, residue mobility, and thermodynamic stability) indicates that this missense variant is not expected to disrupt DNMT3A protein function with a negative predictive value of 80%. In summary, the available evidence is currently insufficient to determine the role of this variant in disease. Therefore, it has been classified as a Variant of Uncertain Significance.

NM_022552.5(DNMT3A):c.2405A>G (p.Asn802Ser)

Gene: DNMT3A (DNA methyltransferase 3 alpha; minus strand). Cytogenetic location: 2p23.3.
Variant type: single nucleotide variant.
Coding change: c.2405A>G on transcript NM_022552.5 (MANE Select); coding-DNA position 2405, A replaced by G.
Protein change: p.Asn802Ser; replaces asparagine 802 with serine.
Molecular consequence: missense variant. On other transcripts: non-coding transcript variant (1).
Genome position (GRCh38, 1-based): chr2:25,239,133, T>C on the plus strand (A>G on the coding strand, the complement: DNMT3A is on the minus strand). VCF-style: chr2-25239133-T-C. GRCh37 (hg19) VCF-style: chr2-25462002-T-C.
Other names: c.1949A>G, p.Asn650Ser (NM_001320893.1); c.1736A>G, p.Asn579Ser (NM_001375819.1); c.1838A>G, p.Asn613Ser (NM_153759.3); c.2405A>G, p.Asn802Ser (NM_175629.2); short protein forms N613S, N650S, N802S, N579S.
Identifiers: ClinVar variation 3663893 (VCV003663893.2).